The following is an entry in ClinVar:

NM_018671.5(UNC45A):c.578G>A (p.Arg193Gln)

Gene: UNC45A (unc-45 myosin chaperone A; plus strand). Cytogenetic location: 15q26.1.
Variant type: single nucleotide variant.
Coding change: c.578G>A on transcript NM_018671.5 (MANE Select); coding-DNA position 578, G replaced by A.
Protein change: p.Arg193Gln; replaces arginine 193 with glutamine.
Molecular consequence: missense variant.
Genome position (GRCh38, 1-based): chr15:90,940,364, G>A. VCF-style: chr15-90940364-G-A. GRCh37 (hg19) VCF-style: chr15-91483594-G-A.
Other names: c.143G>A, p.Arg48Gln (NM_001323620.2); c.533G>A, p.Arg178Gln (NM_001323621.2, NM_001039675.2); c.578G>A (NM_018671.3); c.578G>A, p.Arg193Gln (NM_001323619.1); short protein forms R193Q, R48Q, R178Q.
Identifiers: ClinVar variation 1359406 (VCV001359406.6), dbSNP rs761392950, ClinGen allele CA7742594.

ClinVar aggregate classification (germline): Uncertain significance. Review status: criteria provided, multiple submitters, no conflicts (2 of 4 stars). 2 submissions from 2 submitters: Uncertain significance (2). Last evaluated 2024-11-20.

Conditions:
Inborn genetic diseases. Identifiers: MedGen C0950123, MeSH D030342.

Allele frequency attached by ClinVar (database versions not stated): gnomAD 0.00001; gnomAD exomes 0.00001; ExAC 0.00002; TOPMed 0.00005.
gnomAD v4.1: 18 of 1,614,024 alleles (0.0011%); highest among the groups gnomAD compares: African/African-American, 0.0053%; no homozygotes.

Submissions (2):

Ambry Genetics
Classification: Uncertain significance for Inborn genetic diseases. Last evaluated: 2024-11-20. Review status: criteria provided, single submitter. Criteria: Ambry Variant Classification Scheme 2023. Collection method: clinical testing. Allele origin: germline.

Labcorp Genetics (formerly Invitae), Labcorp
Classification: Uncertain significance. Last evaluated: 2023-10-20. Review status: criteria provided, single submitter. Criteria: Invitae Variant Classification Sherloc (09022015). Collection method: clinical testing. Allele origin: germline.
Comment: This sequence change replaces arginine, which is basic and polar, with glutamine, which is neutral and polar, at codon 193 of the UNC45A protein (p.Arg193Gln). This variant is present in population databases (rs761392950, gnomAD 0.01%). This variant has not been reported in the literature in individuals affected with UNC45A-related conditions. ClinVar contains an entry for this variant (Variation ID: 1359406). Algorithms developed to predict the effect of missense changes on protein structure and function output the following: SIFT: "Not Available"; PolyPhen-2: "Benign"; Align-GVGD: "Not Available". The glutamine amino acid residue is found in multiple mammalian species, which suggests that this missense change does not adversely affect protein function. In summary, the available evidence is currently insufficient to determine the role of this variant in disease. Therefore, it has been classified as a Variant of Uncertain Significance.